The following is an entry in ClinVar:

ClinVar aggregate classification (germline): Uncertain significance. Review status: criteria provided, multiple submitters, no conflicts (2 of 4 stars). 2 submissions from 2 submitters: Uncertain significance (2). Last evaluated 2022-10-05.

Allele frequency attached by ClinVar (database versions not stated): gnomAD exomes below 0.00001 and 0.00001.
gnomAD v4.1: 2 of 1,613,974 alleles (0.00012%); highest among the groups gnomAD compares: Admixed American, 0.0033%; no homozygotes.

Submissions (2):

Labcorp Genetics (formerly Invitae), Labcorp
Classification: Uncertain significance. Last evaluated: 2022-10-05. Review status: criteria provided, single submitter. Criteria: Invitae Variant Classification Sherloc (09022015). Collection method: clinical testing. Allele origin: germline.
Comment: In summary, the available evidence is currently insufficient to determine the role of this variant in disease. Therefore, it has been classified as a Variant of Uncertain Significance. This sequence change replaces methionine, which is neutral and non-polar, with threonine, which is neutral and polar, at codon 785 of the TTLL5 protein (p.Met785Thr). This variant is present in population databases (no rsID available, gnomAD 0.006%). This variant has not been reported in the literature in individuals affected with TTLL5-related conditions. ClinVar contains an entry for this variant (Variation ID: 855355). Advanced modeling of protein sequence and biophysical properties (such as structural, functional, and spatial information, amino acid conservation, physicochemical variation, residue mobility, and thermodynamic stability) performed at Invitae indicates that this missense variant is not expected to disrupt TTLL5 protein function.

Blueprint Genetics
Classification: Uncertain significance. Last evaluated: 2021-05-26. Review status: criteria provided, single submitter. Criteria: ACMG Guidelines, 2015. Collection method: clinical testing. Allele origin: germline.

NM_015072.5(TTLL5):c.2354T>C (p.Met785Thr)

Gene: TTLL5 (tubulin tyrosine ligase like 5; plus strand). Cytogenetic location: 14q24.3.
Variant type: single nucleotide variant.
Coding change: c.2354T>C on transcript NM_015072.5 (MANE Select); coding-DNA position 2354, T replaced by C.
Protein change: p.Met785Thr; replaces methionine 785 with threonine.
Molecular consequence: missense variant.
Genome position (GRCh38, 1-based): chr14:75,776,817, T>C. VCF-style: chr14-75776817-T-C. GRCh37 (hg19) VCF-style: chr14-76243160-T-C.
Other names: short protein forms M785T.
Identifiers: ClinVar variation 855355 (VCV000855355.12), dbSNP rs1373380553, ClinGen allele CA390469887.
Genomic context (GRCh38, chr14:75,776,817, plus strand): 5'-AAATGGCTGAAAAGAAATCAAAGAAGAAAGTTGAGGAAGAAGAGGAAGATGGGGTGAATA[T>C]GGAAAACTTTCAGGAGTTCATCAGACAAGCAAGGTAGTAGACATTCTTGATTGATAAAAG-3'
Protein context (NP_055887.3, residues 775-795): VEEEEEDGVN[Met785Thr]ENFQEFIRQA